The following is an entry in ClinVar:

NM_020381.4(PDSS2):c.382G>A (p.Val128Met)

Gene: PDSS2 (decaprenyl diphosphate synthase subunit 2; minus strand). Cytogenetic location: 6q21.
Variant type: single nucleotide variant.
Coding change: c.382G>A on transcript NM_020381.4 (MANE Select); coding-DNA position 382, G replaced by A.
Protein change: p.Val128Met; replaces valine 128 with methionine.
Molecular consequence: missense variant.
Genome position (GRCh38, 1-based): chr6:107,334,247, C>T on the plus strand (G>A on the coding strand, the complement: PDSS2 is on the minus strand). VCF-style: chr6-107334247-C-T. GRCh37 (hg19) VCF-style: chr6-107655451-C-T.
Other names: short protein forms V128M.
Identifiers: ClinVar variation 1430741 (VCV001430741.5), dbSNP rs201645466, ClinGen allele CA3946137.

ClinVar aggregate classification (germline): Uncertain significance. Review status: criteria provided, multiple submitters, no conflicts (2 of 4 stars). 3 submissions from 3 submitters: Uncertain significance (3). Last evaluated 2022-12-19.

Conditions:
Coenzyme Q10 deficiency, primary, 3 (COQ10D3). Identifiers: Orphanet 255249, MedGen C3553358, MONDO:0013838, OMIM 614652.
Inborn genetic diseases. Identifiers: MedGen C0950123, MeSH D030342.

Allele frequency attached by ClinVar (database versions not stated): gnomAD exomes 0.00002 and 0.00005; gnomAD 0.00003; ExAC 0.00005; TOPMed 0.00005.
gnomAD v4.1: 75 of 1,613,500 alleles (0.0046%); highest among the groups gnomAD compares: East Asian, 0.0067%; no homozygotes.

Submissions (3):

Ambry Genetics
Classification: Uncertain significance for Inborn genetic diseases. Last evaluated: 2022-12-19. Review status: criteria provided, single submitter. Criteria: Ambry Variant Classification Scheme 2023. Collection method: clinical testing. Allele origin: germline.

Labcorp Genetics (formerly Invitae), Labcorp
Classification: Uncertain significance. Last evaluated: 2022-10-25. Review status: criteria provided, single submitter. Criteria: Invitae Variant Classification Sherloc (09022015). Collection method: clinical testing. Allele origin: germline.
Comment: This sequence change replaces valine, which is neutral and non-polar, with methionine, which is neutral and non-polar, at codon 128 of the PDSS2 protein (p.Val128Met). This variant is present in population databases (rs201645466, gnomAD 0.007%). This variant has not been reported in the literature in individuals affected with PDSS2-related conditions. ClinVar contains an entry for this variant (Variation ID: 1430741). Advanced modeling of protein sequence and biophysical properties (such as structural, functional, and spatial information, amino acid conservation, physicochemical variation, residue mobility, and thermodynamic stability) performed at Invitae indicates that this missense variant is not expected to disrupt PDSS2 protein function. In summary, the available evidence is currently insufficient to determine the role of this variant in disease. Therefore, it has been classified as a Variant of Uncertain Significance.

Fulgent Genetics
Classification: Uncertain significance for Coenzyme Q10 deficiency, primary, 3. Last evaluated: 2022-03-03. Review status: criteria provided, single submitter. Criteria: ACMG Guidelines, 2015. Collection method: clinical testing. Allele origin: unknown.